The following is an entry in ClinVar:

NM_020975.6(RET):c.827T>C (p.Val276Ala)

Gene: RET (ret proto-oncogene; plus strand). Cytogenetic location: 10q11.21.
Variant type: single nucleotide variant.
Coding change: c.827T>C on transcript NM_020975.6 (MANE Select); coding-DNA position 827, T replaced by C.
Protein change: p.Val276Ala; replaces valine 276 with alanine.
Molecular consequence: missense variant. On other transcripts: intron variant (22).
Genome position (GRCh38, 1-based): chr10:43,105,153, T>C. VCF-style: chr10-43105153-T-C. GRCh37 (hg19) VCF-style: chr10-43600601-T-C.
Other names: c.65T>C, p.Val22Ala (NM_001355216.2); c.827T>C, p.Val276Ala (NM_001406743.1, NM_001406744.1, NM_001406759.1 and 6 more transcripts); c.539T>C, p.Val180Ala (NM_001406766.1, NM_001406767.1, NM_001406770.1); c.698T>C, p.Val233Ala (NM_001406768.1, NM_001406774.1, NM_001406761.1 and 2 more transcripts); c.625+2524T>C (NM_001406773.1, NM_001406771.1, NM_001406782.1 and 5 more transcripts); c.496+2524T>C (NM_001406786.1, NM_001406783.1); c.338-3878T>C (NM_001406778.1, NM_001406775.1, NM_001406776.1 and 1 more transcripts); c.337+4431T>C (NM_001406790.1, NM_001406788.1, NM_001406789.1 and 1 more transcripts); and 2 more; short protein forms V180A, V22A, V233A, V276A.
Identifiers: ClinVar variation 3313711 (VCV003313711.1).

ClinVar aggregate classification (germline): Uncertain significance (1 of 4 stars; one submission).

Conditions:
Hereditary cancer-predisposing syndrome. Also called: Neoplastic Syndromes, Hereditary; Tumor predisposition; Hereditary neoplastic syndrome; Hereditary Cancer Syndrome. Identifiers: Orphanet 140162, MedGen C0027672, MeSH D009386, MONDO:0015356.

Submission:

Ambry Genetics
Classification: Uncertain significance for Hereditary cancer-predisposing syndrome. Last evaluated: 2024-03-27. Review status: criteria provided, single submitter. Criteria: Ambry Variant Classification Scheme 2023. Collection method: clinical testing. Allele origin: germline.
Comment: The p.V276A variant (also known as c.827T>C), located in coding exon 4 of the RET gene, results from a T to C substitution at nucleotide position 827. The valine at codon 276 is replaced by alanine, an amino acid with similar properties. This amino acid position is conserved. In addition, this alteration is predicted to be tolerated by in silico analysis. Based on the available evidence, the clinical significance of this alteration remains unclear.